The following is an entry in ClinVar:

NM_001384910.1(GUCA1A):c.256G>C (p.Gly86Arg)

Genes: GUCA1ANB-GUCA1A (GUCA1ANB-GUCA1A readthrough; plus strand), GUCA1A (guanylate cyclase activator 1A; plus strand). Cytogenetic location: 6p21.1.
Variant type: single nucleotide variant.
Coding change: c.256G>C on transcript NM_001384910.1 (MANE Select); coding-DNA position 256, G replaced by C.
Protein change: p.Gly86Arg; replaces glycine 86 with arginine.
Molecular consequence: missense variant.
Genome position (GRCh38, 1-based): chr6:42,178,334, G>C. VCF-style: chr6-42178334-G-C. GRCh37 (hg19) VCF-style: chr6-42146072-G-C.
Other names: c.256G>C, p.Gly86Arg (NM_000409.5, NM_001319061.2, NM_001319062.2); short protein forms G86R.
Identifiers: ClinVar variation 974939 (VCV000974939.2), dbSNP rs1768014561, ClinGen allele CA364108892.

ClinVar aggregate classification (germline): Pathogenic/Likely pathogenic. Review status: criteria provided, multiple submitters, no conflicts (2 of 4 stars). 2 submissions from 2 submitters: Pathogenic (1); Likely pathogenic (1). Last evaluated 2025-06-10.

Conditions:
Cone dystrophy 3 (COD3). Also called: RETINAL CONE DYSTROPHY. Identifiers: Orphanet 1872, MedGen C1865869, MONDO:0011193, OMIM 602093.

Submissions (2):

Labcorp Genetics (formerly Invitae), Labcorp
Classification: Pathogenic. Last evaluated: 2025-06-10. Review status: criteria provided, single submitter. Criteria: Invitae Variant Classification Sherloc (09022015). Collection method: clinical testing. Allele origin: germline.
Comment: This sequence change replaces glycine, which is neutral and non-polar, with arginine, which is basic and polar, at codon 86 of the GUCA1A protein (p.Gly86Arg). This variant is not present in population databases (gnomAD no frequency). This missense change has been observed in individuals with retinitis pigmentosa (PMID: 30622141; internal data). It has also been observed to segregate with disease in related individuals. ClinVar contains an entry for this variant (Variation ID: 974939). An algorithm developed to predict the effect of missense changes on protein structure and function (PolyPhen-2) suggests that this variant is likely to be disruptive. Experimental studies have shown that this missense change affects GUCA1A function (PMID: 30622141, 31979372). For these reasons, this variant has been classified as Pathogenic.

SIB Swiss Institute of Bioinformatics
Classification: Likely pathogenic for Cone dystrophy 3. Last evaluated: 2020-06-05. Review status: criteria provided, single submitter. Criteria: ACMG Guidelines, 2015. Collection method: curation. Allele origin: unknown.
Comment: This variant is interpreted as likely pathogenic for Cone-rod dystrophy 14, autosomal dominant. The following ACMG Tag(s) were applied: Absent from controls (or at extremely low frequency if recessive) in Exome Sequencing Project, 1000 Genomes Project, or Exome Aggregation Consortium (PM2); Multiple lines of computational evidence support a deleterious effect on the gene or gene product (PP3); Well-established functional studies show a deleterious effect (PS3 downgraded to moderate); Cosegregation with disease in multiple affected family members in a gene definitively known to cause the disease (PP1).

Literature cited by the submitters: PubMed 30622141 (cited by Labcorp Genetics (formerly Invitae), Labcorp and SIB Swiss Institute of Bioinformatics); PubMed 31979372 (cited by Labcorp Genetics (formerly Invitae), Labcorp and SIB Swiss Institute of Bioinformatics).